The following is an entry in ClinVar:

NM_000179.3(MSH6):c.1157C>G (p.Pro386Arg)

Gene: MSH6 (mutS homolog 6; plus strand). Cytogenetic location: 2p16.3.
Variant type: single nucleotide variant.
Coding change: c.1157C>G on transcript NM_000179.3 (MANE Select); coding-DNA position 1157, C replaced by G.
Protein change: p.Pro386Arg; replaces proline 386 with arginine.
Molecular consequence: missense variant.
Genome position (GRCh38, 1-based): chr2:47,799,140, C>G. VCF-style: chr2-47799140-C-G. GRCh37 (hg19) VCF-style: chr2-48026279-C-G.
Other names: c.767C>G, p.Pro256Arg (NM_001281492.2); c.251C>G, p.Pro84Arg (NM_001281493.2, NM_001281494.2); short protein forms P256R, P386R, P84R.
Identifiers: ClinVar variation 1320769 (VCV001320769.2), dbSNP rs2104323733, ClinGen allele CA346742240.
Genomic context (GRCh38, chr2:47,799,140, plus strand): 5'-ATCATGAAACTTTAGAATGGCTTAAGGAGGAAAAGAGAAGAGATGAGCACAGGAGGAGGC[C>G]TGATCACCCCGATTTTGATGCATCTACACTCTATGTGCCTGAGGATTTCCTCAATTCTTG-3'
Protein context (NP_000170.1, residues 376-396): EKRRDEHRRR[Pro386Arg]DHPDFDASTL

ClinVar aggregate classification (germline): Uncertain significance (1 of 4 stars; one submission).

Allele frequency attached by ClinVar (database versions not stated): gnomAD exomes below 0.00001.
gnomAD v4.1: 2 of 1,613,404 alleles (0.00012%); highest among the groups gnomAD compares: Non-Finnish European, 0.00017%; no homozygotes.

Submission:

GeneDx
Classification: Uncertain significance. Last evaluated: 2020-09-01. Review status: criteria provided, single submitter. Criteria: GeneDx Variant Classification Process June 2021. Collection method: clinical testing. Allele origin: germline. Affected: yes.
Comment: Not observed in large population cohorts (Lek et al., 2016); In silico analysis supports that this missense variant has a deleterious effect on protein structure/function; Has not been previously published as pathogenic or benign to our knowledge; This variant is associated with the following publications: (PMID: 31046843)